The following is an entry in ClinVar:

ClinVar aggregate classification (germline): Uncertain significance (1 of 4 stars; one submission).

Conditions:
NPC1-related disorder. Also called: NPC1-related condition.

gnomAD v4.1: 4 of 1,612,976 alleles (0.00025%); highest among the groups gnomAD compares: Non-Finnish European, 0.00034%; no homozygotes.

Submission:

3billion
Classification: Uncertain significance for NPC1-related disorder. Last evaluated: 2025-12-17. Review status: criteria provided, single submitter. Criteria: ACMG Guidelines, 2015. Collection method: clinical testing. Allele origin: germline. Affected: yes.
Comment: The variant is observed at an extremely low frequency in the gnomAD v4.1.0 dataset (total allele frequency: <0.001%). Predicted Consequence/Location: Missense variant In silico tool predictions suggest damaging effect of the variant on gene or gene product [REVEL: 0.93 (>=0.6, sensitivity 0.68 and specificity 0.92)]. Therefore, this variant is classified as VUS according to the recommendation of ACMG/AMP guideline.

NM_000271.5(NPC1):c.2537T>C (p.Leu846Pro)

Gene: NPC1 (NPC intracellular cholesterol transporter 1; minus strand). Cytogenetic location: 18q11.2.
Variant type: single nucleotide variant.
Coding change: c.2537T>C on transcript NM_000271.5 (MANE Select); coding-DNA position 2537, T replaced by C.
Protein change: p.Leu846Pro; replaces leucine 846 with proline.
Molecular consequence: missense variant.
Genome position (GRCh38, 1-based): chr18:23,540,515, A>G on the plus strand (T>C on the coding strand, the complement: NPC1 is on the minus strand). VCF-style: chr18-23540515-A-G. GRCh37 (hg19) VCF-style: chr18-21120479-A-G.
Other names: short protein forms L846P.
Identifiers: ClinVar variation 4854082 (VCV004854082.1).